The following is an entry in ClinVar:

NM_003114.5(SPAG1):c.740A>G (p.Asn247Ser)

Gene: SPAG1 (sperm associated antigen 1; plus strand). Cytogenetic location: 8q22.2.
Variant type: single nucleotide variant.
Coding change: c.740A>G on transcript NM_003114.5 (MANE Select); coding-DNA position 740, A replaced by G.
Protein change: p.Asn247Ser; replaces asparagine 247 with serine.
Molecular consequence: missense variant.
Genome position (GRCh38, 1-based): chr8:100,187,158, A>G. VCF-style: chr8-100187158-A-G. GRCh37 (hg19) VCF-style: chr8-101199386-A-G.
Other names: c.740A>G, p.Asn247Ser (NM_001374321.1, NM_172218.3); short protein forms N247S.
Identifiers: ClinVar variation 3014293 (VCV003014293.1), dbSNP rs749116480, ClinGen allele CA4827350.

ClinVar aggregate classification (germline): Uncertain significance (1 of 4 stars; one submission).

Conditions:
Primary ciliary dyskinesia 28. Also called: CILIARY DYSKINESIA, PRIMARY, 28, WITH OR WITHOUT SITUS INVERSUS. Identifiers: Orphanet 244, MedGen C3809706, MONDO:0014216, OMIM 615505.

Allele frequency attached by ClinVar (database versions not stated): gnomAD 0.00002; ExAC 0.00003; TOPMed 0.00003.
gnomAD v4.1: 19 of 1,613,060 alleles (0.0012%); highest among the groups gnomAD compares: African/African-American, 0.0053%; no homozygotes.

Submission:

Labcorp Genetics (formerly Invitae), Labcorp
Classification: Uncertain significance for Primary ciliary dyskinesia 28. Last evaluated: 2023-06-15. Review status: criteria provided, single submitter. Criteria: Invitae Variant Classification Sherloc (09022015). Collection method: clinical testing. Allele origin: germline.
Comment: This sequence change replaces asparagine, which is neutral and polar, with serine, which is neutral and polar, at codon 247 of the SPAG1 protein (p.Asn247Ser). In summary, the available evidence is currently insufficient to determine the role of this variant in disease. Therefore, it has been classified as a Variant of Uncertain Significance. Advanced modeling of protein sequence and biophysical properties (such as structural, functional, and spatial information, amino acid conservation, physicochemical variation, residue mobility, and thermodynamic stability) performed at Invitae indicates that this missense variant is expected to disrupt SPAG1 protein function. This variant has not been reported in the literature in individuals affected with SPAG1-related conditions. This variant is present in population databases (rs749116480, gnomAD 0.01%).